The following is an entry in ClinVar:

NM_001009999.3(KDM1A):c.70G>T (p.Gly24Cys)

Gene: KDM1A (lysine demethylase 1A; plus strand). Cytogenetic location: 1p36.12.
Variant type: single nucleotide variant.
Coding change: c.70G>T on transcript NM_001009999.3 (MANE Select); coding-DNA position 70, G replaced by T.
Protein change: p.Gly24Cys; replaces glycine 24 with cysteine.
Molecular consequence: missense variant.
Genome position (GRCh38, 1-based): chr1:23,019,666, G>T. VCF-style: chr1-23019666-G-T. GRCh37 (hg19) VCF-style: chr1-23346159-G-T.
Other names: c.70G>T, p.Gly24Cys (NM_001363654.2, NM_001410762.1, NM_001410763.1 and 1 more transcripts); short protein forms G24C.
Identifiers: ClinVar variation 4042050 (VCV004042050.1).

ClinVar aggregate classification (germline): Uncertain significance (1 of 4 stars; one submission).

Conditions:
Inborn genetic diseases. Identifiers: MedGen C0950123, MeSH D030342.

Submission:

Ambry Genetics
Classification: Uncertain significance for Inborn genetic diseases. Last evaluated: 2025-03-17. Review status: criteria provided, single submitter. Criteria: Ambry Variant Classification Scheme 2023. Collection method: clinical testing. Allele origin: germline.
Comment: The p.G24C variant (also known as c.70G>T), located in coding exon 1 of the KDM1A gene, results from a G to T substitution at nucleotide position 70. The glycine at codon 24 is replaced by cysteine, an amino acid with highly dissimilar properties. This amino acid position is conserved. In addition, this alteration is predicted to be tolerated by in silico analysis. Based on the available evidence, the clinical significance of this variant remains unclear.